The following is an entry in ClinVar:

ClinVar aggregate classification (germline): Uncertain significance (1 of 4 stars; one submission).

Allele frequency attached by ClinVar (database versions not stated): gnomAD exomes 0.00007.
gnomAD v4.1: 105 of 1,612,686 alleles (0.0065%); highest among the groups gnomAD compares: Non-Finnish European, 0.0089%; no homozygotes.

Submission:

Labcorp Genetics (formerly Invitae), Labcorp
Classification: Uncertain significance. Last evaluated: 2022-06-15. Review status: criteria provided, single submitter. Criteria: Invitae Variant Classification Sherloc (09022015). Collection method: clinical testing. Allele origin: germline.
Comment: This sequence change replaces proline, which is neutral and non-polar, with arginine, which is basic and polar, at codon 163 of the EXOSC9 protein (p.Pro163Arg). This variant is present in population databases (rs749136552, gnomAD 0.0009%). This variant has not been reported in the literature in individuals affected with EXOSC9-related conditions. Algorithms developed to predict the effect of missense changes on protein structure and function (SIFT, PolyPhen-2, Align-GVGD) all suggest that this variant is likely to be disruptive. In summary, the available evidence is currently insufficient to determine the role of this variant in disease. Therefore, it has been classified as a Variant of Uncertain Significance.

NM_005033.3(EXOSC9):c.488C>G (p.Pro163Arg)

Gene: EXOSC9 (exosome component 9; plus strand). Cytogenetic location: 4q27.
Variant type: single nucleotide variant.
Coding change: c.488C>G on transcript NM_005033.3 (MANE Select); coding-DNA position 488, C replaced by G.
Protein change: p.Pro163Arg; replaces proline 163 with arginine.
Molecular consequence: missense variant.
Genome position (GRCh38, 1-based): chr4:121,804,725, C>G. VCF-style: chr4-121804725-C-G. GRCh37 (hg19) VCF-style: chr4-122725880-C-G.
Other names: c.488C>G, p.Pro163Arg (NM_001034194.2); short protein forms P163R.
Identifiers: ClinVar variation 1930055 (VCV001930055.2), dbSNP rs749136552, ClinGen allele CA104730313.